The following is an entry in ClinVar:

NM_000397.4(CYBB):c.46-7T>C

Gene: CYBB (cytochrome b-245 beta chain; plus strand). Cytogenetic location: Xp21.1.
Variant type: single nucleotide variant.
Coding change: c.46-7T>C on transcript NM_000397.4 (MANE Select); 7 bases into the intron before coding-DNA position 46, T replaced by C.
Molecular consequence: intron variant.
Genome position (GRCh38, 1-based): chrX:37,782,081, T>C. VCF-style: chrX-37782081-T-C. GRCh37 (hg19) VCF-style: chrX-37641334-T-C.
Identifiers: ClinVar variation 35973 (VCV000035973.14), dbSNP rs182039020, ClinGen allele CA213634.

ClinVar aggregate classification (germline): Benign/Likely benign. Review status: criteria provided, multiple submitters, no conflicts (2 of 4 stars). 3 submissions from 3 submitters: Benign (1); Likely benign (1). 1 of the submissions does not count toward it. Last evaluated 2026-01-18.

Conditions:
Granulomatous disease, chronic, X-linked. Also called: GRANULOMATOUS DISEASE, CHRONIC, X-LINKED, SOMATIC MOSAIC; CYTOCHROME b-NEGATIVE GRANULOMATOUS DISEASE, CHRONIC, X-LINKED. Identifiers: Orphanet 379, MedGen C1844376, MONDO:0010600, OMIM 306400.
Chronic granulomatous disease. Identifiers: Orphanet 379, MedGen C0018203, MONDO:0018305.

Allele frequency attached by ClinVar (database versions not stated): 1000 Genomes Project 30x 0.00042; 1000 Genomes Project 0.00053; gnomAD 0.00066 and 0.00070; TOPMed 0.00071; ESP Exome Variant Server 0.00076; gnomAD exomes 0.00006 and 0.00023; ExAC 0.00025.
gnomAD v4.1: 139 of 1,195,562 alleles (0.012%); highest among the groups gnomAD compares: African/African-American, 0.22%; no homozygotes.

Submissions (3):

Labcorp Genetics (formerly Invitae), Labcorp
Classification: Benign for Granulomatous disease, chronic, X-linked. Last evaluated: 2026-01-18. Review status: criteria provided, single submitter. Criteria: Invitae Variant Classification Sherloc (09022015). Collection method: clinical testing. Allele origin: germline.

Women's Health and Genetics/Laboratory Corporation of America, LabCorp
Classification: Likely benign. Last evaluated: 2016-03-09. Review status: criteria provided, single submitter. Criteria: LabCorp Variant Classification Summary - May 2015. Collection method: clinical testing. Allele origin: germline.
Comment: Variant summary: The c.46-7T>C variant affects a non-conserved intronic nucleotide. One in-silico tool predicts damaging outcome for this variant. 4/5 programs in Alamut predict that this variant does not affect normal splicing. ESE finder predicts that this variant may create a novel ESE site of SC35. However, these predictions are not validated by experimental studies. This variant is found in 22/86866 control chromosomes with 7 hemizygotes, predominantly observed in African subpopulation with MAF of 0.002357 with 5 hemizygotes. This frequency is higher than the estimated maximal expected frequency of a pathogenic allele (0.0018708), suggesting this variant is likely a benign polymorphism especially for Africans. The variant of interest has not been reported in affected individuals via publications, clinical laboratories and/or reputable databases. Considering all, this variant is classified as likely benign.

Natera, Inc.
Classification: Likely benign for Chronic granulomatous disease. Last evaluated: 2019-11-11. Review status: no assertion criteria provided. Collection method: clinical testing. Allele origin: germline. Not counted in ClinVar's aggregate classification.